The following is an entry in ClinVar:

NM_178857.6(RP1L1):c.188C>A (p.Ala63Asp)

Gene: RP1L1 (RP1 like 1). Cytogenetic location: 8p23.1.
Variant type: single nucleotide variant.
Coding change: c.188C>A on transcript NM_178857.6 (MANE Select); coding-DNA position 188, C replaced by A.
Protein change: p.Ala63Asp; replaces alanine 63 with aspartic acid.
Molecular consequence: missense variant.
Genome position (GRCh38, 1-based): chr8:10,623,014, G>T on the plus strand (C>A on the coding strand, the complement: RP1L1 is on the minus strand). VCF-style: chr8-10623014-G-T. GRCh37 (hg19) VCF-style: chr8-10480524-G-T.
Other names: short protein forms A63D.
Identifiers: ClinVar variation 1506279 (VCV001506279.8), dbSNP rs756444851, ClinGen allele CA370300909.
Genomic context (GRCh38, chr8:10,623,014, plus strand): 5'-GTGGTGACAGAGCGCACCCCAAAGGAGAGAGGCACGCGCTGGGAGAGCTCGTCCATGAGG[G>T]CGCTGAAGGTCTTAAAGGCGCGCTGGTGAACGGCCAGGCGGACCCCAGCAAACCGTGGAT-3'
Protein context (NP_849188.4, residues 53-73): VHQRAFKTFS[Ala63Asp]LMDELSQRVP

ClinVar aggregate classification (germline): Uncertain significance (1 of 4 stars; one submission).

gnomAD v4.1: 2 of 1,614,150 alleles (0.00012%); highest among the groups gnomAD compares: South Asian, 0.0011%; no homozygotes.

Submission:

Labcorp Genetics (formerly Invitae), Labcorp
Classification: Uncertain significance. Last evaluated: 2022-01-15. Review status: criteria provided, single submitter. Criteria: Invitae Variant Classification Sherloc (09022015). Collection method: clinical testing. Allele origin: germline.
Comment: In summary, the available evidence is currently insufficient to determine the role of this variant in disease. Therefore, it has been classified as a Variant of Uncertain Significance. This sequence change replaces alanine, which is neutral and non-polar, with aspartic acid, which is acidic and polar, at codon 63 of the RP1L1 protein (p.Ala63Asp). This variant is not present in population databases (gnomAD no frequency). This variant has not been reported in the literature in individuals affected with RP1L1-related conditions. Advanced modeling of protein sequence and biophysical properties (such as structural, functional, and spatial information, amino acid conservation, physicochemical variation, residue mobility, and thermodynamic stability) performed at Invitae indicates that this missense variant is expected to disrupt RP1L1 protein function.